The following is an entry in ClinVar:

ClinVar aggregate classification (germline): Uncertain significance (1 of 4 stars; one submission).

Conditions:
Dilated cardiomyopathy 1D. Identifiers: Orphanet 154, Orphanet 54260, MedGen C1832243, MONDO:0011095, OMIM 601494.
Cardiomyopathy, familial restrictive, 3. Identifiers: Orphanet 75249, MedGen C2676271, MONDO:0012900, OMIM 612422.
Hypertrophic cardiomyopathy 2. Also called: TNNT2-Related Familial Hypertrophic Cardiomyopathy. Identifiers: MedGen C1861864, MONDO:0007266, OMIM 115195.

Submission:

Labcorp Genetics (formerly Invitae), Labcorp
Classification: Uncertain significance for Cardiomyopathy, familial restrictive, 3; Hypertrophic cardiomyopathy 2; Dilated cardiomyopathy 1D. Last evaluated: 2021-12-17. Review status: criteria provided, single submitter. Criteria: Invitae Variant Classification Sherloc (09022015). Collection method: clinical testing. Allele origin: germline.
Comment: In summary, the available evidence is currently insufficient to determine the role of this variant in disease. Therefore, it has been classified as a Variant of Uncertain Significance. Algorithms developed to predict the effect of missense changes on protein structure and function are either unavailable or do not agree on the potential impact of this missense change (SIFT: "Deleterious"; PolyPhen-2: "Possibly Damaging"; Align-GVGD: "Class C0"). This variant has not been reported in the literature in individuals affected with TNNT2-related conditions. This variant is not present in population databases (gnomAD no frequency). This sequence change replaces valine, which is neutral and non-polar, with alanine, which is neutral and non-polar, at codon 85 of the TNNT2 protein (p.Val85Ala).

NM_001276345.2(TNNT2):c.284T>C (p.Val95Ala)

Gene: TNNT2 (troponin T2, cardiac type; minus strand). Cytogenetic location: 1q32.1.
Variant type: single nucleotide variant.
Coding change: c.284T>C on transcript NM_001276345.2 (MANE Select); coding-DNA position 284, T replaced by C.
Protein change: p.Val95Ala; replaces valine 95 with alanine.
Molecular consequence: missense variant.
Genome position (GRCh38, 1-based): chr1:201,365,620, A>G on the plus strand (T>C on the coding strand, the complement: TNNT2 is on the minus strand). VCF-style: chr1-201365620-A-G. GRCh37 (hg19) VCF-style: chr1-201334748-A-G.
Other names: c.284T>C, p.Val95Ala (NM_000364.4); c.254T>C, p.Val85Ala (NM_001001430.3, NM_001001431.3, NM_001276347.2); c.239T>C, p.Val80Ala (NM_001001432.3); c.281T>C, p.Val94Ala (NM_001276346.2); short protein forms V85A, V95A, V80A, V94A.
Identifiers: ClinVar variation 1396943 (VCV001396943.6), dbSNP rs2102264743, ClinGen allele CA090143.